The following is an entry in ClinVar:

NM_000540.3(RYR1):c.6948dup (p.Gly2317fs)

Gene: RYR1 (ryanodine receptor 1; plus strand). Cytogenetic location: 19q13.2.
Variant type: Duplication.
Coding change: c.6948dup on transcript NM_000540.3 (MANE Select); coding-DNA position 6948, one base duplicated (A; older notation c.6948dupA).
Protein change: p.Gly2317fs; shifts the reading frame from glycine 2317.
Molecular consequence: frameshift variant.
Genome position (GRCh38, 1-based): chr19:38,499,164, A duplicated; the last of 3 consecutive A bases (chr19:38,499,162-38,499,164); duplicating any one gives the same sequence. VCF-style (leftmost placement, unchanged base first): chr19-38499161-C-CA. GRCh37 (hg19) VCF-style: chr19-38989801-C-CA.
Other names: c.6948dup, p.Gly2317fs (NM_001042723.2); short protein forms G2317fs.
Identifiers: ClinVar variation 3011606 (VCV003011606.3), dbSNP rs2514308338, ClinGen allele CA2584899833.

ClinVar aggregate classification (germline): Pathogenic (1 of 4 stars; one submission).

Conditions:
RYR1-related disorder. Also called: RYR1-related condition; RYR1-related disorders. Identifiers: MedGen CN239331.

Submission:

Labcorp Genetics (formerly Invitae), Labcorp
Classification: Pathogenic for RYR1-related disorder. Last evaluated: 2022-12-01. Review status: criteria provided, single submitter. Criteria: Invitae Variant Classification Sherloc (09022015). Collection method: clinical testing. Allele origin: germline.
Comment: This sequence change creates a premature translational stop signal (p.Gly2317Argfs*46) in the RYR1 gene. It is expected to result in an absent or disrupted protein product. Loss-of-function variants in RYR1 are known to be pathogenic (PMID: 20583297, 20839240, 23919265, 28818389). This variant has not been reported in the literature in individuals affected with RYR1-related conditions. For these reasons, this variant has been classified as Pathogenic. This variant is not present in population databases (gnomAD no frequency).

Literature cited by the submitters: PubMed 20583297; PubMed 20839240; PubMed 23919265; PubMed 28818389.